The following is an entry in ClinVar:

ClinVar aggregate classification (germline): Uncertain significance. Review status: criteria provided, multiple submitters, no conflicts (2 of 4 stars). 2 submissions from 2 submitters: Uncertain significance (2). Last evaluated 2025-09-12.

Conditions:
Familial hypercholesterolemia. Also called: Familial hypercholesterolaemia; Familial hypercholesterolemias. Identifiers: MedGen C0020445, MONDO:0005439.
Hypercholesterolemia, autosomal dominant, 3 (FHCL3). Also called: PCSK9-Related Familial Hypercholesterolemia, Autosomal Dominant; Familial hypercholesterolemia 3; Familial Hypercholesterolemia, Autosomal Dominant, 3. Identifiers: MedGen C1863551, MONDO:0011369, OMIM 603776.

Allele frequency attached by ClinVar (database versions not stated): gnomAD 0.00001; TOPMed 0.00001.
gnomAD v4.1: 9 of 1,611,812 alleles (0.00056%); highest among the groups gnomAD compares: Admixed American, 0.0017%; no homozygotes.

Submissions (2):

Color Diagnostics, LLC DBA Color Health
Classification: Uncertain significance for Familial hypercholesterolemia. Last evaluated: 2025-09-12. Review status: criteria provided, single submitter. Criteria: ACMG Guidelines, 2015. Collection method: clinical testing. Allele origin: germline.
Comment: This variant changes 1 nucleotide in exon 12 of the PCSK9 gene, creating a premature translation stop signal in the last coding exon. This mutant transcript is predicted to escape nonsense-mediated decay and be expressed as a truncated protein product lacking the last 4 amino acids of the protein. To our knowledge, functional studies have not been reported for this variant nor has this variant been reported in individuals affected with PCSK9-related disorders in the literature. This variant has been identified in 2/276416 chromosomes in the general population by the Genome Aggregation Database (gnomAD). The available evidence is insufficient to determine the role of this variant in disease conclusively. Therefore, this variant is classified as a Variant of Uncertain Significance.

All of Us Research Program, National Institutes of Health
Classification: Uncertain significance for Hypercholesterolemia, autosomal dominant, 3. Last evaluated: 2024-07-10. Review status: criteria provided, single submitter. Criteria: ACMG Guidelines, 2015. Collection method: clinical testing. Allele origin: germline. Inheritance: Autosomal dominant inheritance. Observed: 2 variant alleles, 2 heterozygotes.
Comment: This variant changes 1 nucleotide in exon 12 of the PCSK9 gene, creating a premature translation stop signal in the last coding exon. This mutant transcript is predicted to escape nonsense-mediated decay and be expressed as a truncated protein product lacking the last 4 amino acids of the protein. To our knowledge, functional studies have not been reported for this variant nor has this variant has been reported in individuals affected with PCSK9-related disorders in the literature. This variant has been identified in 2/276416 chromosomes in the general population by the Genome Aggregation Database (gnomAD). The available evidence is insufficient to determine the role of this variant in disease conclusively. Therefore, this variant is classified as a Variant of Uncertain Significance.

This study involves interpretation of variants in research participants for the purpose of population health screening. Participant phenotype was not available at the time of variant classification. Additional details can be found in publication PMID: 35346344, PMCID: PMC8962531

NM_174936.4(PCSK9):c.2065C>T (p.Gln689Ter)

Gene: PCSK9 (proprotein convertase subtilisin/kexin type 9; plus strand). Cytogenetic location: 1p32.3.
Variant type: single nucleotide variant.
Coding change: c.2065C>T on transcript NM_174936.4 (MANE Select); coding-DNA position 2065, C replaced by T.
Protein change: p.Gln689Ter; replaces glutamine 689 with a stop codon.
Molecular consequence: nonsense.
Genome position (GRCh38, 1-based): chr1:55,063,570, C>T. VCF-style: chr1-55063570-C-T. GRCh37 (hg19) VCF-style: chr1-55529243-C-T.
Other names: c.2188C>T, p.Gln730Ter (NM_001407240.1); c.2107C>T, p.Gln703Ter (NM_001407241.1); c.2068C>T, p.Gln690Ter (NM_001407242.1); c.2008C>T, p.Gln670Ter (NM_001407243.1); c.1891C>T, p.Gln631Ter (NM_001407244.1); c.1873C>T, p.Gln625Ter (NM_001407245.1); c.1690C>T, p.Gln564Ter (NM_001407246.1); c.1564C>T, p.Gln522Ter (NM_001407247.1); short protein forms Q689*, Q625*, Q703*, Q522*, Q690*, Q564*, Q631*, Q670*.
Identifiers: ClinVar variation 927416 (VCV000927416.8), dbSNP rs769487037, ClinGen allele CA340480936.